The following is an entry in ClinVar:

NM_000057.4(BLM):c.1445C>T (p.Thr482Ile)

Gene: BLM (BLM RecQ like helicase; plus strand). Cytogenetic location: 15q26.1.
Variant type: single nucleotide variant.
Coding change: c.1445C>T on transcript NM_000057.4 (MANE Select); coding-DNA position 1445, C replaced by T.
Protein change: p.Thr482Ile; replaces threonine 482 with isoleucine.
Molecular consequence: missense variant.
Genome position (GRCh38, 1-based): chr15:90,760,818, C>T. VCF-style: chr15-90760818-C-T. GRCh37 (hg19) VCF-style: chr15-91304048-C-T.
Other names: c.1445C>T, p.Thr482Ile (NM_001287246.2, NM_001287247.2); c.320C>T, p.Thr107Ile (NM_001287248.2); short protein forms T107I, T482I.
Identifiers: ClinVar variation 3480906 (VCV003480906.1).

ClinVar aggregate classification (germline): Uncertain significance (1 of 4 stars; one submission).

Conditions:
Hereditary cancer-predisposing syndrome. Also called: Tumor predisposition; Neoplastic Syndromes, Hereditary; Hereditary Cancer Syndrome; Hereditary neoplastic syndrome. Identifiers: Orphanet 140162, MedGen C0027672, MeSH D009386, MONDO:0015356.

Submission:

Ambry Genetics
Classification: Uncertain significance for Hereditary cancer-predisposing syndrome. Last evaluated: 2024-11-24. Review status: criteria provided, single submitter. Criteria: Ambry Variant Classification Scheme 2023. Collection method: clinical testing. Allele origin: germline.
Comment: The p.T482I variant (also known as c.1445C>T), located in coding exon 6 of the BLM gene, results from a C to T substitution at nucleotide position 1445. The threonine at codon 482 is replaced by isoleucine, an amino acid with similar properties. This amino acid position is conserved. In addition, this alteration is predicted to be tolerated by in silico analysis. Based on the available evidence, the clinical significance of this variant remains unclear.